The following is an entry in ClinVar:

NM_000037.4(ANK1):c.4104G>A (p.Lys1368=)

Gene: ANK1 (ankyrin 1; minus strand). Cytogenetic location: 8p11.21.
Variant type: single nucleotide variant.
Coding change: c.4104G>A on transcript NM_000037.4 (MANE Select); coding-DNA position 4104, G replaced by A.
Protein change: p.Lys1368=; no amino-acid change (lysine 1368 retained).
Molecular consequence: synonymous variant.
Genome position (GRCh38, 1-based): chr8:41,690,227, C>T on the plus strand (G>A on the coding strand, the complement: ANK1 is on the minus strand). VCF-style: chr8-41690227-C-T. GRCh37 (hg19) VCF-style: chr8-41547745-C-T.
Other names: c.4227G>A, p.Lys1409= (NM_001142446.2); c.4104G>A, p.Lys1368= (NM_020475.3, NM_020476.3, NM_020477.3).
Identifiers: ClinVar variation 4796013 (VCV004796013.2).
Genomic context (GRCh38, chr8:41,690,227, plus strand): 5'-TGGGGACCTCCTACAGGGAAGCCGTCTCGGGCCAAGGCTCCTCGGCAGGTGCCAGCTCAC[C>T]TTGGCGCAGGGGGGCATGGTGATGTTCAGGTGGCAGAGAATGTGCTGGGTGTCCTCGTAC-3'
Protein context (NP_000028.3, residues 1358-1378): HLNITMPPCA[Lys1368=]GSGAEDRRRT

ClinVar aggregate classification (germline): Uncertain significance (1 of 4 stars; one submission).

Conditions:
Hereditary spherocytosis type 1. Also called: Spherocytosis type 1; ANK1-Related Spherocytosis. Identifiers: Orphanet 822, MedGen C2674218, MONDO:0008447, OMIM 182900.

Submission:

Department of Laboratory Medicine and Genetics, Samsung Medical Center
Classification: Uncertain significance for Hereditary spherocytosis type 1. Last evaluated: 2026-02-21. Review status: criteria provided, single submitter. Criteria: ACMG Guidelines, 2015. Collection method: clinical testing. Allele origin: paternal. Inheritance: Autosomal dominant inheritance. Affected: yes. Observed: 1 heterozygote.
Comment: The NM_000037.4:c.4104G>A, p.(Lys1368=) is considered to be rare in the general population database (gnomAD v4.1.0). This variant was found in two members of a family (father and daughter) affected by hereditary spherocytosis and not found in an unaffected family member (mother). This variant is predicted to be deleterious by in-silico analysis (SpliceAI). RNA analysis that was performed at Samsung Medical Center revealed that this variant caused aberrant splicing, resulting in the skipping of exon 33 (r.3985_4104del), which does not disrupt the reading frame. In summary, this variant was classified as a variant of uncertain significance for hereditary spherocytosis (PVS1_M, PM2_P, PP3).